The following is an entry in ClinVar:

NM_001429.4(EP300):c.3866C>T (p.Ser1289Phe)

Gene: EP300 (E1A binding protein p300; plus strand). Cytogenetic location: 22q13.2.
Variant type: single nucleotide variant.
Coding change: c.3866C>T on transcript NM_001429.4 (MANE Select); coding-DNA position 3866, C replaced by T.
Protein change: p.Ser1289Phe; replaces serine 1289 with phenylalanine.
Molecular consequence: missense variant.
Genome position (GRCh38, 1-based): chr22:41,166,658, C>T. VCF-style: chr22-41166658-C-T. GRCh37 (hg19) VCF-style: chr22-41562662-C-T.
Other names: c.3788C>T, p.Ser1263Phe (NM_001362843.2); short protein forms S1289F, S1263F.
Identifiers: ClinVar variation 546553 (VCV000546553.2), dbSNP rs1555910822, ClinGen allele CA411698746.

ClinVar aggregate classification (germline): Uncertain significance (1 of 4 stars; one submission).

Submission:

GeneDx
Classification: Uncertain significance. Last evaluated: 2018-05-30. Review status: criteria provided, single submitter. Criteria: GeneDx Variant Classification (06012015). Collection method: clinical testing. Allele origin: germline. Affected: yes.
Comment: A variant of uncertain significance has been identified in the EP300 gene. The S1289F variant has notbeen published as a pathogenic variant, nor has it been reported as a benign variant to our knowledge.The S1289F variant is not observed in large population cohorts (Lek et al., 2016). The S1289Fvariant is a non-conservative amino acid substitution, which is likely to impact secondary proteinstructure as these residues differ in polarity, charge, size and/or other properties. In-silico analyses,including protein predictors and evolutionary conservation, support a deleterious effect. Based on thecurrently available information, it is unclear whether this variant is a pathogenic variant or a rarebenign variant.